The following is an entry in ClinVar:

NM_006946.4(SPTBN2):c.4390A>G (p.Arg1464Gly)

Gene: SPTBN2 (spectrin beta, non-erythrocytic 2; minus strand). Cytogenetic location: 11q13.2.
Variant type: single nucleotide variant.
Coding change: c.4390A>G on transcript NM_006946.4 (MANE Select); coding-DNA position 4390, A replaced by G.
Protein change: p.Arg1464Gly; replaces arginine 1464 with glycine.
Molecular consequence: missense variant.
Genome position (GRCh38, 1-based): chr11:66,694,252, T>C on the plus strand (A>G on the coding strand, the complement: SPTBN2 is on the minus strand). VCF-style: chr11-66694252-T-C. GRCh37 (hg19) VCF-style: chr11-66461723-T-C.
Other names: c.4411A>G, p.Arg1471Gly (NM_001411025.1); short protein forms R1464G, R1471G.
Identifiers: ClinVar variation 2813793 (VCV002813793.3), dbSNP rs2495992003, ClinGen allele CA381470182.

ClinVar aggregate classification (germline): Uncertain significance (1 of 4 stars; one submission).

Allele frequency attached by ClinVar (database versions not stated): gnomAD exomes below 0.00001.
gnomAD v4.1: 1 of 1,614,160 alleles (0.000062%); highest among the groups gnomAD compares: Non-Finnish European, 0.000085%; no homozygotes.

Submission:

Labcorp Genetics (formerly Invitae), Labcorp
Classification: Uncertain significance. Last evaluated: 2022-11-12. Review status: criteria provided, single submitter. Criteria: Invitae Variant Classification Sherloc (09022015). Collection method: clinical testing. Allele origin: germline.
Comment: This sequence change replaces arginine, which is basic and polar, with glycine, which is neutral and non-polar, at codon 1464 of the SPTBN2 protein (p.Arg1464Gly). This variant is not present in population databases (gnomAD no frequency). This variant has not been reported in the literature in individuals affected with SPTBN2-related conditions. Advanced modeling of protein sequence and biophysical properties (such as structural, functional, and spatial information, amino acid conservation, physicochemical variation, residue mobility, and thermodynamic stability) performed at Invitae indicates that this missense variant is not expected to disrupt SPTBN2 protein function. In summary, the available evidence is currently insufficient to determine the role of this variant in disease. Therefore, it has been classified as a Variant of Uncertain Significance.